The following is an entry in ClinVar:

ClinVar aggregate classification (germline): Benign. Review status: criteria provided, multiple submitters, no conflicts (2 of 4 stars). 3 submissions from 3 submitters: Benign (3). Last evaluated 2025-12-01.

Conditions:
Nephronophthisis. Also called: Juvenile Nephronophthisis. Identifiers: Orphanet 655, MedGen C0687120, MONDO:0019005, HP:0000090.
Nephronophthisis 7 (NPHP7). Identifiers: Orphanet 655, MedGen C1969092, MONDO:0012680, OMIM 611498.

Allele frequency attached by ClinVar (database versions not stated): gnomAD exomes 0.00043 and 0.00134; gnomAD 0.00046 and 0.00069; TOPMed 0.00091; ExAC 0.00216; 1000 Genomes Project 30x 0.00359; 1000 Genomes Project 0.00379.
gnomAD v4.1: 723 of 1,560,060 alleles (0.046%); highest among the groups gnomAD compares: East Asian, 1.3%; 9 homozygotes.

Submissions (3):

Labcorp Genetics (formerly Invitae), Labcorp
Classification: Benign for Nephronophthisis. Last evaluated: 2025-12-01. Review status: criteria provided, single submitter. Criteria: Invitae Variant Classification Sherloc (09022015). Collection method: clinical testing. Allele origin: germline.

Illumina Laboratory Services, Illumina
Classification: Benign for Nephronophthisis 7. Last evaluated: 2018-01-13. Review status: criteria provided, single submitter. Criteria: ICSL Variant Classification Criteria 13 December 2019. Collection method: clinical testing. Allele origin: germline.
Comment: This variant was observed in the ICSL laboratory as part of a predisposition screen in an ostensibly healthy population. It had not been previously curated by ICSL or reported in the Human Gene Mutation Database (HGMD: prior to June 1st, 2018), and was therefore a candidate for classification through an automated scoring system. Utilizing variant allele frequency, disease prevalence and penetrance estimates, and inheritance mode, an automated score was calculated to assess if this variant is too frequent to cause the disease. Based on the score and internal cut-off values, a variant classified as benign is not then subjected to further curation. The score for this variant resulted in a classification of benign for this disease.

Breakthrough Genomics
Classification: Benign. Review status: criteria provided, single submitter. Criteria: ACMG Guidelines, 2015. Collection method: not provided. Allele origin: germline. Inheritance: Unknown mechanism. Affected: yes.

NM_032575.3(GLIS2):c.1350G>A (p.Ser450=)

Gene: GLIS2 (GLIS family zinc finger 2; plus strand). Cytogenetic location: 16p13.3.
Variant type: single nucleotide variant.
Coding change: c.1350G>A on transcript NM_032575.3 (MANE Select); coding-DNA position 1350, G replaced by A.
Protein change: p.Ser450=; no amino-acid change (serine 450 retained).
Molecular consequence: synonymous variant.
Genome position (GRCh38, 1-based): chr16:4,337,299, G>A. VCF-style: chr16-4337299-G-A. GRCh37 (hg19) VCF-style: chr16-4387300-G-A.
Other names: c.1350G>A, p.Ser450= (NM_001318918.2).
Identifiers: ClinVar variation 319220 (VCV000319220.14), dbSNP rs150464446, ClinGen allele CA7873246.
Genomic context (GRCh38, chr16:4,337,299, plus strand): 5'-GGTCTCCCTCCTTGCTGGCGCAGCTGGTGGCAAGGCCGAGGGGGAGAAGGGGCGTGGGTC[G>A]GTGCCCACCAGGGCCCTGGGCATGGAGGGCCACAAGACGCCCCTTGAAAGGACGGAGAGC-3'
Protein context (NP_115964.2, residues 440-460): GKAEGEKGRG[Ser450=]VPTRALGMEG